The following is an entry in ClinVar:

NM_002202.3(ISL1):c.436C>A (p.Pro146Thr)

Gene: ISL1 (ISL LIM homeobox 1; plus strand). Cytogenetic location: 5q11.1.
Variant type: single nucleotide variant.
Coding change: c.436C>A on transcript NM_002202.3 (MANE Select); coding-DNA position 436, C replaced by A.
Protein change: p.Pro146Thr; replaces proline 146 with threonine.
Molecular consequence: missense variant.
Genome position (GRCh38, 1-based): chr5:51,387,707, C>A. VCF-style: chr5-51387707-C-A. GRCh37 (hg19) VCF-style: chr5-50683541-C-A.
Other names: short protein forms P146T.
Identifiers: ClinVar variation 3036549 (VCV003036549.2), dbSNP rs200172777, ClinGen allele CA3260976.
Genomic context (GRCh38, chr5:51,387,707, plus strand): 5'-GGTCTCTTCTGCCGAGCAGACCACGATGTGGTGGAGAGGGCCAGTCTAGGCGCTGGCGAC[C>A]CGCTCAGTCCCCTGCATCCAGCGCGGCCACTGCAAATGGCAGGTACTCCTCTGCCCGGCT-3'
Protein context (NP_002193.2, residues 136-156): VERASLGAGD[Pro146Thr]LSPLHPARPL

ClinVar aggregate classification (germline): Likely benign (0 of 4 stars; one submission).

Conditions:
ISL1-related disorder. Also called: ISL1-related condition.

Allele frequency attached by ClinVar (database versions not stated): gnomAD exomes 0.00019; ESP Exome Variant Server 0.00032; ExAC 0.00034; gnomAD 0.00064; TOPMed 0.00084; 1000 Genomes Project 0.00180; 1000 Genomes Project 30x 0.00187.
gnomAD v4.1: 403 of 1,614,192 alleles (0.025%); highest among the groups gnomAD compares: Middle Eastern, 0.16%; no homozygotes.

Submission:

PreventionGenetics, part of Exact Sciences
Classification: Likely benign for ISL1-related condition. Last evaluated: 2022-01-28. Review status: no assertion criteria provided. Collection method: clinical testing. Allele origin: germline.
Comment: This variant is classified as likely benign based on ACMG/AMP sequence variant interpretation guidelines (Richards et al. 2015 PMID: 25741868, with internal and published modifications).